The following is an entry in ClinVar:

ClinVar aggregate classification (germline): Uncertain significance (1 of 4 stars; one submission).

Allele frequency attached by ClinVar (database versions not stated): gnomAD exomes below 0.00001.
gnomAD v4.1: 1 of 1,612,414 alleles (0.000062%); highest among the groups gnomAD compares: Non-Finnish European, 0.000085%; no homozygotes.

Submission:

Labcorp Genetics (formerly Invitae), Labcorp
Classification: Uncertain significance. Last evaluated: 2025-06-23. Review status: criteria provided, single submitter. Criteria: Invitae Variant Classification Sherloc (09022015). Collection method: clinical testing. Allele origin: germline.
Comment: This sequence change replaces alanine, which is neutral and non-polar, with valine, which is neutral and non-polar, at codon 2266 of the ASPM protein (p.Ala2266Val). This variant is not present in population databases (gnomAD no frequency). This variant has not been reported in the literature in individuals affected with ASPM-related conditions. ClinVar contains an entry for this variant (Variation ID: 2090242). Invitae Evidence Modeling of protein sequence and biophysical properties (such as structural, functional, and spatial information, amino acid conservation, physicochemical variation, residue mobility, and thermodynamic stability) has been performed for this missense variant. However, the output from this modeling did not meet the statistical confidence thresholds required to predict the impact of this variant on ASPM protein function. In summary, the available evidence is currently insufficient to determine the role of this variant in disease. Therefore, it has been classified as a Variant of Uncertain Significance.

NM_018136.5(ASPM):c.6797C>T (p.Ala2266Val)

Gene: ASPM (assembly factor for spindle microtubules; minus strand). Cytogenetic location: 1q31.3.
Variant type: single nucleotide variant.
Coding change: c.6797C>T on transcript NM_018136.5 (MANE Select); coding-DNA position 6797, C replaced by T.
Protein change: p.Ala2266Val; replaces alanine 2266 with valine.
Molecular consequence: missense variant. On other transcripts: intron variant (1).
Genome position (GRCh38, 1-based): chr1:197,102,454, G>A on the plus strand (C>T on the coding strand, the complement: ASPM is on the minus strand). VCF-style: chr1-197102454-G-A. GRCh37 (hg19) VCF-style: chr1-197071584-G-A.
Other names: c.4066-6290C>T (NM_001206846.2); short protein forms A2266V.
Identifiers: ClinVar variation 2090242 (VCV002090242.4), dbSNP rs2527295621, ClinGen allele CA344021450.